The following is an entry in ClinVar:

ClinVar aggregate classification (germline): Uncertain significance (1 of 4 stars; one submission).

Conditions:
Atrioventricular septal defect 5 (AVSD5). Identifiers: MedGen C3280939, MONDO:0013769, OMIM 614474.

gnomAD v4.1: 1 of 1,600,770 alleles (0.000062%); highest among the groups gnomAD compares: African/African-American, 0.0013%; no homozygotes.

Submission:

Labcorp Genetics (formerly Invitae), Labcorp
Classification: Uncertain significance for Atrioventricular septal defect 5. Last evaluated: 2025-12-08. Review status: criteria provided, single submitter. Criteria: Invitae Variant Classification Sherloc (09022015). Collection method: clinical testing. Allele origin: germline.
Comment: This sequence change replaces leucine, which is neutral and non-polar, with histidine, which is basic and polar, at codon 151 of the GATA6 protein (p.Leu151His). This variant is not present in population databases (gnomAD no frequency). This variant has not been reported in the literature in individuals affected with GATA6-related conditions. Invitae Evidence Modeling of protein sequence and biophysical properties (such as structural, functional, and spatial information, amino acid conservation, physicochemical variation, residue mobility, and thermodynamic stability) indicates that this missense variant is not expected to disrupt GATA6 protein function with a negative predictive value of 80%. In summary, the available evidence is currently insufficient to determine the role of this variant in disease. Therefore, it has been classified as a Variant of Uncertain Significance.

NM_005257.6(GATA6):c.452T>A (p.Leu151His)

Gene: GATA6 (GATA binding protein 6; plus strand). Cytogenetic location: 18q11.2.
Variant type: single nucleotide variant.
Coding change: c.452T>A on transcript NM_005257.6 (MANE Select); coding-DNA position 452, T replaced by A.
Protein change: p.Leu151His; replaces leucine 151 with histidine.
Molecular consequence: missense variant.
Genome position (GRCh38, 1-based): chr18:22,171,596, T>A. VCF-style: chr18-22171596-T-A. GRCh37 (hg19) VCF-style: chr18-19751557-T-A.
Other names: short protein forms L151H.
Identifiers: ClinVar variation 4699785 (VCV004699785.1).